The following is an entry in ClinVar:

NM_001844.5(COL2A1):c.2609G>A (p.Gly870Glu)

Gene: COL2A1 (collagen type II alpha 1 chain; minus strand). Cytogenetic location: 12q13.11.
Variant type: single nucleotide variant.
Coding change: c.2609G>A on transcript NM_001844.5 (MANE Select); coding-DNA position 2609, G replaced by A.
Protein change: p.Gly870Glu; replaces glycine 870 with glutamic acid.
Molecular consequence: missense variant.
Genome position (GRCh38, 1-based): chr12:47,980,570, C>T on the plus strand (G>A on the coding strand, the complement: COL2A1 is on the minus strand). VCF-style: chr12-47980570-C-T. GRCh37 (hg19) VCF-style: chr12-48374353-C-T.
Other names: c.2402G>A, p.Gly801Glu (NM_033150.3); short protein forms G801E, G870E.
Identifiers: ClinVar variation 1483186 (VCV001483186.7), dbSNP rs886041429, ClinGen allele CA384544367.

ClinVar aggregate classification (germline): Pathogenic/Likely pathogenic. Review status: criteria provided, multiple submitters, no conflicts (2 of 4 stars). 2 submissions from 2 submitters: Pathogenic (1); Likely pathogenic (1). Last evaluated 2022-07-12.

Conditions:
Stickler syndrome type 1 (STL1). Also called: ARTHROOPHTHALMOPATHY, HEREDITARY PROGRESSIVE; STICKLER SYNDROME, MEMBRANOUS VITREOUS TYPE; STICKLER SYNDROME, VITREOUS TYPE 1; COL2A1-Related Stickler Syndrome. Identifiers: Orphanet 828, Orphanet 90653, MedGen C2020284, MONDO:0007160, OMIM 108300.

Submissions (2):

Labcorp Genetics (formerly Invitae), Labcorp
Classification: Likely pathogenic. Last evaluated: 2022-07-12. Review status: criteria provided, single submitter. Criteria: Invitae Variant Classification Sherloc (09022015). Collection method: clinical testing. Allele origin: germline.
Comment: This missense change has been observed in individual(s) with COL2A1-related skeletal dysplasia (PMID: 22791362). This variant is not present in population databases (gnomAD no frequency). This sequence change replaces glycine, which is neutral and non-polar, with glutamic acid, which is acidic and polar, at codon 870 of the COL2A1 protein (p.Gly870Glu). ClinVar contains an entry for this variant (Variation ID: 1483186). In summary, the currently available evidence indicates that the variant is pathogenic, but additional data are needed to prove that conclusively. Therefore, this variant has been classified as Likely Pathogenic. This variant disrupts the triple helix domain of COL2A1. Glycine residues within the Gly-Xaa-Yaa repeats of the triple helix domain are required for the structure and stability of fibrillar collagens (PMID: 7695699, 8218237, 19344236). In COL2A1, variants affecting these glycine residues are significantly enriched in individuals with disease (PMID: 9016532, 17078022) compared to the general population (ExAC). Advanced modeling of protein sequence and biophysical properties (such as structural, functional, and spatial information, amino acid conservation, physicochemical variation, residue mobility, and thermodynamic stability) performed at Invitae indicates that this missense variant is expected to disrupt COL2A1 protein function.

Mendelics
Classification: Pathogenic for Stickler syndrome type 1. Last evaluated: 2022-05-04. Review status: criteria provided, single submitter. Criteria: Mendelics Assertion Criteria 2019. Collection method: clinical testing. Allele origin: germline.

Literature cited by the submitters: PubMed 22791362 (cited by Labcorp Genetics (formerly Invitae), Labcorp); PubMed 7695699 (cited by Labcorp Genetics (formerly Invitae), Labcorp); PubMed 8218237 (cited by Labcorp Genetics (formerly Invitae), Labcorp); PubMed 19344236 (cited by Labcorp Genetics (formerly Invitae), Labcorp); PubMed 9016532 (cited by Labcorp Genetics (formerly Invitae), Labcorp); PubMed 17078022 (cited by Labcorp Genetics (formerly Invitae), Labcorp).